The following is an entry in ClinVar:

ClinVar aggregate classification (germline): Uncertain significance (1 of 4 stars; one submission).

Submission:

Labcorp Genetics (formerly Invitae), Labcorp
Classification: Uncertain significance. Last evaluated: 2024-07-11. Review status: criteria provided, single submitter. Criteria: Invitae Variant Classification Sherloc (09022015). Collection method: clinical testing. Allele origin: germline.
Comment: This sequence change replaces serine, which is neutral and polar, with isoleucine, which is neutral and non-polar, at codon 462 of the ASXL1 protein (p.Ser462Ile). This variant is not present in population databases (gnomAD no frequency). This variant has not been reported in the literature in individuals affected with ASXL1-related conditions. An algorithm developed to predict the effect of missense changes on protein structure and function (PolyPhen-2) suggests that this variant is likely to be disruptive. In summary, the available evidence is currently insufficient to determine the role of this variant in disease. Therefore, it has been classified as a Variant of Uncertain Significance.

NM_015338.6(ASXL1):c.1385G>T (p.Ser462Ile)

Gene: ASXL1 (ASXL transcriptional regulator 1; plus strand). Cytogenetic location: 20q11.21.
Variant type: single nucleotide variant.
Coding change: c.1385G>T on transcript NM_015338.6 (MANE Select); coding-DNA position 1385, G replaced by T.
Protein change: p.Ser462Ile; replaces serine 462 with isoleucine.
Molecular consequence: missense variant.
Genome position (GRCh38, 1-based): chr20:32,433,583, G>T. VCF-style: chr20-32433583-G-T. GRCh37 (hg19) VCF-style: chr20-31021386-G-T.
Other names: c.1202G>T, p.Ser401Ile (NM_001363734.1); short protein forms S462I, S401I.
Identifiers: ClinVar variation 3659241 (VCV003659241.2).